The following is an entry in ClinVar:

NM_203446.3(SYNJ1):c.549G>T (p.Met183Ile)

Gene: SYNJ1 (synaptojanin 1; minus strand). Cytogenetic location: 21q22.11.
Variant type: single nucleotide variant.
Coding change: c.549G>T on transcript NM_203446.3 (MANE Select); coding-DNA position 549, G replaced by T.
Protein change: p.Met183Ile; replaces methionine 183 with isoleucine.
Molecular consequence: missense variant.
Genome position (GRCh38, 1-based): chr21:32,695,213, C>A on the plus strand (G>T on the coding strand, the complement: SYNJ1 is on the minus strand). VCF-style: chr21-32695213-C-A. GRCh37 (hg19) VCF-style: chr21-34067523-C-A.
Other names: c.549G>T, p.Met183Ile (NM_001160302.2, NM_001160306.2); c.666G>T, p.Met222Ile (NM_003895.4); short protein forms M183I, M222I.
Identifiers: ClinVar variation 999098 (VCV000999098.9), dbSNP rs760573856, ClinGen allele CA410098597.
Genomic context (GRCh38, chr21:32,695,213, plus strand): 5'-GAGGCAAGCCTTCGCCTGTTTATGAGCAGCATAAATTGTTCTGATTTCTACTCCTCCACA[C>A]ATAAGACGTAATAACCAGTCATCACAATTCACGCCATAGTGTTTGAGATGCAAATGCAAA-3'
Protein context (NP_982271.3, residues 173-193): VNCDDWLLRL[Met183Ile]CGGVEIRTIY

ClinVar aggregate classification (germline): Uncertain significance (1 of 4 stars; one submission).

Conditions:
Early-onset Parkinson disease 20. Also called: PARKINSON DISEASE 20, AUTOSOMAL RECESSIVE EARLY-ONSET. Identifiers: Orphanet 391411, MedGen C3809824, MONDO:0014233, OMIM 615530.
Developmental and epileptic encephalopathy, 53. Also called: Epileptic encephalopathy, early infantile, 53. Identifiers: MedGen C4479313, MONDO:0033362, OMIM 617389.

Submission:

Labcorp Genetics (formerly Invitae), Labcorp
Classification: Uncertain significance for Developmental and epileptic encephalopathy, 53; Early-onset Parkinson disease 20. Last evaluated: 2020-05-14. Review status: criteria provided, single submitter. Criteria: Invitae Variant Classification Sherloc (09022015). Collection method: clinical testing. Allele origin: germline.
Comment: This sequence change replaces methionine with isoleucine at codon 222 of the SYNJ1 protein (p.Met222Ile). The methionine residue is highly conserved and there is a small physicochemical difference between methionine and isoleucine. This variant is not present in population databases (ExAC no frequency). This variant has not been reported in the literature in individuals with SYNJ1-related conditions. Algorithms developed to predict the effect of missense changes on protein structure and function (SIFT, PolyPhen-2, Align-GVGD) all suggest that this variant is likely to be tolerated, but these predictions have not been confirmed by published functional studies and their clinical significance is uncertain. In summary, the available evidence is currently insufficient to determine the role of this variant in disease. Therefore, it has been classified as a Variant of Uncertain Significance.